The following is an entry in ClinVar:

ClinVar aggregate classification (germline): Benign (1 of 4 stars; one submission).

Allele frequency attached by ClinVar (database versions not stated): TOPMed 0.89795; gnomAD 0.90199 and 0.90402; 1000 Genomes Project 30x 0.90818; 1000 Genomes Project 0.91294; gnomAD exomes 0.92354.
gnomAD v4.1: 415,557 of 453,358 alleles (92%); highest among the groups gnomAD compares: East Asian, 94%; 190,719 homozygotes.

Submission:

GeneDx
Classification: Benign. Last evaluated: 2018-06-14. Review status: criteria provided, single submitter. Criteria: GeneDx Variant Classification (06012015). Collection method: clinical testing. Allele origin: germline. Affected: yes.
Comment: This variant is considered likely benign or benign based on one or more of the following criteria: it is a conservative change, it occurs at a poorly conserved position in the protein, it is predicted to be benign by multiple in silico algorithms, and/or has population frequency not consistent with disease.

NM_012123.4(MTO1):c.1756+198T>C

Gene: MTO1 (mitochondrial tRNA translation optimization 1; plus strand). Cytogenetic location: 6q13.
Variant type: single nucleotide variant.
Coding change: c.1756+198T>C on transcript NM_012123.4 (MANE Select); 198 bases into the intron after coding-DNA position 1756, T replaced by C.
Molecular consequence: intron variant.
Genome position (GRCh38, 1-based): chr6:73,492,550, T>C. VCF-style: chr6-73492550-T-C. GRCh37 (hg19) VCF-style: chr6-74202273-T-C.
Other names: c.1831+198T>C (NM_133645.3); c.1876+198T>C (NM_001123226.2).
Identifiers: ClinVar variation 678514 (VCV000678514.1), dbSNP rs608026, ClinGen allele CA15437876.